The following is an entry in ClinVar:

NM_006206.6(PDGFRA):c.1603T>C (p.Leu535=)

Gene: PDGFRA (platelet derived growth factor receptor alpha; plus strand). Cytogenetic location: 4q12.
Variant type: single nucleotide variant.
Coding change: c.1603T>C on transcript NM_006206.6 (MANE Select); coding-DNA position 1603, T replaced by C.
Protein change: p.Leu535=; no amino-acid change (leucine 535 retained).
Molecular consequence: synonymous variant.
Genome position (GRCh38, 1-based): chr4:54,274,575, T>C. VCF-style: chr4-54274575-T-C. GRCh37 (hg19) VCF-style: chr4-55140742-T-C.
Other names: c.1603T>C (NM_006206.5); c.1603T>C, p.Leu535= (NM_001347827.2, NM_001347829.2); c.1678T>C, p.Leu560= (NM_001347828.2); c.1642T>C, p.Leu548= (NM_001347830.2).
Identifiers: ClinVar variation 528695 (VCV000528695.16), dbSNP rs755547823, ClinGen allele CA2922625.
Genomic context (GRCh38, chr4:54,274,575, plus strand): 5'-CTCTCTTGTCACGTAGCCCTGCGTTCTGAACTCACGGTGGCTGCTGCAGTCCTGGTGCTG[T>C]TGGTGATTGTGATCATCTCACTTATTGTCCTGGTTGTCATTTGGAAACAGGTAGATATTT-3'
Protein context (NP_006197.1, residues 525-545): LTVAAAVLVL[Leu535=]VIVIISLIVL

ClinVar aggregate classification (germline): Benign/Likely benign. Review status: criteria provided, multiple submitters, no conflicts (2 of 4 stars). 4 submissions from 4 submitters: Benign (1); Likely benign (3). Last evaluated 2026-06-17.

Conditions:
Polyps, multiple and recurrent inflammatory fibroid, gastrointestinal. Identifiers: MedGen C5193005, MONDO:0008285, OMIM 175510.
Gastrointestinal stromal tumor. Also called: Gastrointestinal stroma tumor; Gastrointestinal stromal tumor, somatic. Identifiers: Orphanet 44890, MedGen C0238198, MeSH D046152, MONDO:0011719, OMIM 606764, HP:0100723.
PDGFRA-related disorder. Also called: PDGFRA-related condition.
Hereditary cancer-predisposing syndrome. Also called: Hereditary neoplastic syndrome; Hereditary Cancer Syndrome; Neoplastic Syndromes, Hereditary; Tumor predisposition. Identifiers: Orphanet 140162, MedGen C0027672, MeSH D009386, MONDO:0015356.

Allele frequency attached by ClinVar (database versions not stated): ExAC 0.00001; gnomAD 0.00002; gnomAD exomes 0.00002; TOPMed 0.00002.

Submissions (4):

Myriad Genetics, Inc.
Classification: Benign for Polyps, multiple and recurrent inflammatory fibroid, gastrointestinal. Last evaluated: 2026-06-17. Review status: criteria provided, single submitter. Criteria: Myriad Autosomal Dominant, Autosomal Recessive and X-Linked Classification Criteria (2023). Collection method: clinical testing. Allele origin: unknown.
Comment: This variant is considered benign. This variant is a silent/synonymous amino acid change and it is not expected to impact splicing.

PreventionGenetics, part of Exact Sciences
Classification: Likely benign for PDGFRA-related condition. Last evaluated: 2026-05-04. Review status: criteria provided, single submitter. Criteria: ACMG Guidelines, 2015. Collection method: clinical testing. Allele origin: germline.
Comment: This variant is classified as likely benign based on ACMG/AMP sequence variant interpretation guidelines (Richards et al. 2015 PMID: 25741868, with internal and published modifications).

Labcorp Genetics (formerly Invitae), Labcorp
Classification: Likely benign for Gastrointestinal stromal tumor. Last evaluated: 2026-01-18. Review status: criteria provided, single submitter. Criteria: Invitae Variant Classification Sherloc (09022015). Collection method: clinical testing. Allele origin: germline.

Ambry Genetics
Classification: Likely benign for Hereditary cancer-predisposing syndrome. Last evaluated: 2020-06-11. Review status: criteria provided, single submitter. Criteria: Ambry Variant Classification Scheme 2023. Collection method: clinical testing. Allele origin: germline.